The following is an entry in ClinVar:

ClinVar aggregate classification (germline): Uncertain significance (1 of 4 stars; one submission).

Submission:

GeneDx
Classification: Uncertain significance. Last evaluated: 2023-12-06. Review status: criteria provided, single submitter. Criteria: GeneDx Variant Classification Process June 2021. Collection method: clinical testing. Allele origin: germline. Affected: yes.
Comment: Has not been previously published as pathogenic or benign to our knowledge; Not observed at significant frequency in large population cohorts (gnomAD); In silico analysis supports that this missense variant has a deleterious effect on protein structure/function; In silico analysis suggests this variant may impact gene splicing. In the absence of RNA/functional studies, the actual effect of this sequence change is unknown.

NM_080680.3(COL11A2):c.4828G>A (p.Glu1610Lys)

Gene: COL11A2 (collagen type XI alpha 2 chain; minus strand). Cytogenetic location: 6p21.32.
Variant type: single nucleotide variant.
Coding change: c.4828G>A on transcript NM_080680.3 (MANE Select); coding-DNA position 4828, G replaced by A.
Protein change: p.Glu1610Lys; replaces glutamic acid 1610 with lysine.
Molecular consequence: missense variant.
Genome position (GRCh38, 1-based): chr6:33,164,887, C>T on the plus strand (G>A on the coding strand, the complement: COL11A2 is on the minus strand). VCF-style: chr6-33164887-C-T. GRCh37 (hg19) VCF-style: chr6-33132664-C-T.
Other names: c.4648G>A, p.Glu1550Lys (NM_001424108.1); c.3982G>A, p.Glu1328Lys (NM_001424109.1); c.3802G>A, p.Glu1268Lys (NM_001424110.1, NM_001424111.1); c.2782G>A, p.Glu928Lys (NM_001424112.1); c.4507G>A, p.Glu1503Lys (NM_080679.3); c.4570G>A, p.Glu1524Lys (NM_080681.3); short protein forms E1268K, E1328K, E1503K, E1524K, E1550K, E1610K, E928K.
Identifiers: ClinVar variation 3365028 (VCV003365028.1).